The following is an entry in ClinVar:

NM_133259.4(LRPPRC):c.4077C>G (p.Tyr1359Ter)

Gene: LRPPRC (leucine rich pentatricopeptide repeat containing; minus strand). Cytogenetic location: 2p21.
Variant type: single nucleotide variant.
Coding change: c.4077C>G on transcript NM_133259.4 (MANE Select); coding-DNA position 4077, C replaced by G.
Protein change: p.Tyr1359Ter; replaces tyrosine 1359 with a stop codon.
Molecular consequence: nonsense.
Genome position (GRCh38, 1-based): chr2:43,889,785, G>C on the plus strand (C>G on the coding strand, the complement: LRPPRC is on the minus strand). VCF-style: chr2-43889785-G-C. GRCh37 (hg19) VCF-style: chr2-44116924-G-C.
Other names: short protein forms Y1359*.
Identifiers: ClinVar variation 554835 (VCV000554835.10), dbSNP rs148828179, ClinGen allele CA346672960.
Genomic context (GRCh38, chr2:43,889,785, plus strand): 5'-AATACTCACAGGGGGTTCAATGAAAGGGACAGGCTCTCCAGCATACTTCAGCAAAGATGC[G>C]TAACGCTTTAGAAACAGATCATCCAATTTTGTATTCTTTGCAGTCAAATGTTCATACAGT-3'

ClinVar aggregate classification (germline): Pathogenic/Likely pathogenic. Review status: criteria provided, multiple submitters, no conflicts (2 of 4 stars). 4 submissions from 4 submitters: Pathogenic (2); Likely pathogenic (1). 1 of the submissions does not count toward it. Last evaluated 2024-04-25.

Conditions:
Congenital lactic acidosis, Saguenay-Lac-Saint-Jean type (MC4DN5). Also called: CYTOCHROME c OXIDASE DEFICIENCY, FRENCH CANADIAN TYPE; COX DEFICIENCY, FRENCH CANADIAN TYPE; MITOCHONDRIAL COMPLEX IV DEFICIENCY, NUCLEAR TYPE 5. Identifiers: Orphanet 70472, MedGen C1857355, MONDO:0009069, OMIM 220111.

gnomAD v4.1: 6 of 1,611,582 alleles (0.00037%); highest among the groups gnomAD compares: Non-Finnish European, 0.00051%; no homozygotes.

Submissions (4):

Natera, Inc.
Classification: Likely pathogenic for French-Canadian type Leigh syndrome. Last evaluated: 2024-04-25. Review status: criteria provided, single submitter. Criteria: Natera Variant Classification Schema (03/2026). Collection method: clinical testing. Allele origin: germline.
Comment: The c.4077C>G variant in LRPPRC is a nonsense variant predicted to introduce a stop codon at amino acid 1359. This variant is expected to result in nonsense mediated decay, truncation, or a dysfunctional protein product. This variant is rare in the general population with a frequency below the threshold expected for the associated phenotype(s). Given the available evidence, this variant is classified as Likely Pathogenic.

Labcorp Genetics (formerly Invitae), Labcorp
Classification: Pathogenic. Last evaluated: 2024-02-12. Review status: criteria provided, single submitter. Criteria: Invitae Variant Classification Sherloc (09022015). Collection method: clinical testing. Allele origin: germline.
Comment: This sequence change creates a premature translational stop signal (p.Tyr1359*) in the LRPPRC gene. It is expected to result in an absent or disrupted protein product. Loss-of-function variants in LRPPRC are known to be pathogenic (PMID: 26510951). This variant is present in population databases (no rsID available, gnomAD 0.002%). This variant has not been reported in the literature in individuals affected with LRPPRC-related conditions. ClinVar contains an entry for this variant (Variation ID: 554835). For these reasons, this variant has been classified as Pathogenic.

Baylor Genetics
Classification: Pathogenic for Congenital lactic acidosis, Saguenay-Lac-Saint-Jean type. Last evaluated: 2022-11-03. Review status: criteria provided, single submitter. Criteria: ACMG Guidelines, 2015. Collection method: clinical testing. Allele origin: unknown.

Counsyl
Classification: Uncertain significance for Congenital lactic acidosis, Saguenay-Lac-Saint-Jean type. Last evaluated: 2017-11-07. Review status: no assertion criteria provided. Collection method: clinical testing. Allele origin: unknown. Not counted in ClinVar's aggregate classification.

Literature cited by the submitters: PubMed 26510951 (cited by Labcorp Genetics (formerly Invitae), Labcorp).